The following is an entry in ClinVar:

NM_001042492.3(NF1):c.1570G>A (p.Glu524Lys)

Gene: NF1 (neurofibromin 1; plus strand). Cytogenetic location: 17q11.2.
Variant type: single nucleotide variant.
Coding change: c.1570G>A on transcript NM_001042492.3 (MANE Select); coding-DNA position 1570, G replaced by A.
Protein change: p.Glu524Lys; replaces glutamic acid 524 with lysine.
Molecular consequence: missense variant.
Genome position (GRCh38, 1-based): chr17:31,219,047, G>A. VCF-style: chr17-31219047-G-A. GRCh37 (hg19) VCF-style: chr17-29546065-G-A.
Other names: c.1570G>A, p.Glu524Lys (NM_000267.4, NM_001128147.3); short protein forms E524K.
Identifiers: ClinVar variation 2756060 (VCV002756060.3), dbSNP rs1135402815, ClinGen allele CA399001901.
Genomic context (GRCh38, chr17:31,219,047, plus strand): 5'-TCCTTTTTTTCCTTGCAGAATCCAAGAAAACAGGGGCCCGAAACCCAAGGCAGTACAGCA[G>A]AATTAATTACAGGGCTCGTCCAACTGGTCCCTCAGTCACACATGCCAGAGATTGCTCAGG-3'
Protein context (NP_001035957.1, residues 514-534): QGPETQGSTA[Glu524Lys]LITGLVQLVP

ClinVar aggregate classification (germline): Uncertain significance (1 of 4 stars; one submission).

Conditions:
Neurofibromatosis, type 1 (NF1). Also called: VON RECKLINGHAUSEN DISEASE; NEUROFIBROMATOSIS, TYPE I, SOMATIC; Peripheral type neurofibromatosis; Neurofibromatosis, type I. Identifiers: Orphanet 636, MedGen C0027831, MONDO:0018975, OMIM 162200. Disease mechanism: loss of function.

Submission:

Labcorp Genetics (formerly Invitae), Labcorp
Classification: Uncertain significance for Neurofibromatosis, type 1. Last evaluated: 2023-08-28. Review status: criteria provided, single submitter. Criteria: Invitae Variant Classification Sherloc (09022015). Collection method: clinical testing. Allele origin: germline.
Comment: This sequence change replaces glutamic acid, which is acidic and polar, with lysine, which is basic and polar, at codon 524 of the NF1 protein (p.Glu524Lys). This variant is not present in population databases (gnomAD no frequency). This variant has not been reported in the literature in individuals affected with NF1-related conditions. Advanced modeling of protein sequence and biophysical properties (such as structural, functional, and spatial information, amino acid conservation, physicochemical variation, residue mobility, and thermodynamic stability) performed at Invitae indicates that this missense variant is expected to disrupt NF1 protein function. In summary, the available evidence is currently insufficient to determine the role of this variant in disease. Therefore, it has been classified as a Variant of Uncertain Significance.